The following is an entry in ClinVar:

ClinVar aggregate classification (germline): Uncertain significance (1 of 4 stars; one submission).

Submission:

Labcorp Genetics (formerly Invitae), Labcorp
Classification: Uncertain significance. Last evaluated: 2022-06-27. Review status: criteria provided, single submitter. Criteria: Invitae Variant Classification Sherloc (09022015). Collection method: clinical testing. Allele origin: germline.
Comment: In summary, the available evidence is currently insufficient to determine the role of this variant in disease. Therefore, it has been classified as a Variant of Uncertain Significance. Algorithms developed to predict the effect of missense changes on protein structure and function (SIFT, PolyPhen-2, Align-GVGD) all suggest that this variant is likely to be tolerated. This variant has not been reported in the literature in individuals affected with RIMS1-related conditions. This variant is not present in population databases (gnomAD no frequency). This sequence change replaces serine, which is neutral and polar, with threonine, which is neutral and polar, at codon 555 of the RIMS1 protein (p.Ser555Thr).

NM_014989.7(RIMS1):c.1664G>C (p.Ser555Thr)

Genes: RIMS1 (regulating synaptic membrane exocytosis 1; plus strand), LOC129996709 (ATAC-STARR-seq lymphoblastoid active region 24736; plus strand). Cytogenetic location: 6q13.
Variant type: single nucleotide variant.
Coding change: c.1664G>C on transcript NM_014989.7 (MANE Select); coding-DNA position 1664, G replaced by C.
Protein change: p.Ser555Thr; replaces serine 555 with threonine.
Molecular consequence: missense variant.
Genome position (GRCh38, 1-based): chr6:72,183,135, G>C. VCF-style: chr6-72183135-G-C. GRCh37 (hg19) VCF-style: chr6-72892838-G-C.
Other names: short protein forms S555T.
Identifiers: ClinVar variation 1350254 (VCV001350254.6), dbSNP rs771053485, ClinGen allele CA364822620.